The following is an entry in ClinVar:

ClinVar aggregate classification (germline): Uncertain significance (1 of 4 stars; one submission).

Conditions:
Spondyloepiphyseal dysplasia with congenital joint dislocations (SEDCJD). Also called: Chondrodysplasia with Congenital Joint Dislocations, CHST3-Related. Identifiers: Orphanet 263463, MedGen C1837657, MONDO:0007738, OMIM 143095.

Allele frequency attached by ClinVar (database versions not stated): gnomAD exomes below 0.00001.
gnomAD v4.1: 2 of 1,602,360 alleles (0.00012%); highest among the groups gnomAD compares: Admixed American, 0.0017%; no homozygotes.

Submission:

Labcorp Genetics (formerly Invitae), Labcorp
Classification: Uncertain significance for Spondyloepiphyseal dysplasia with congenital joint dislocations. Last evaluated: 2022-07-15. Review status: criteria provided, single submitter. Criteria: Invitae Variant Classification Sherloc (09022015). Collection method: clinical testing. Allele origin: germline.
Comment: In summary, the available evidence is currently insufficient to determine the role of this variant in disease. Therefore, it has been classified as a Variant of Uncertain Significance. Algorithms developed to predict the effect of missense changes on protein structure and function are either unavailable or do not agree on the potential impact of this missense change (SIFT: "Deleterious"; PolyPhen-2: "Probably Damaging"; Align-GVGD: "Class C0"). This variant has not been reported in the literature in individuals affected with CHST3-related conditions. This variant is not present in population databases (gnomAD no frequency). This sequence change replaces glycine, which is neutral and non-polar, with serine, which is neutral and polar, at codon 149 of the CHST3 protein (p.Gly149Ser).

NM_004273.5(CHST3):c.445G>A (p.Gly149Ser)

Gene: CHST3 (carbohydrate sulfotransferase 3; plus strand). Cytogenetic location: 10q22.1.
Variant type: single nucleotide variant.
Coding change: c.445G>A on transcript NM_004273.5 (MANE Select); coding-DNA position 445, G replaced by A.
Protein change: p.Gly149Ser; replaces glycine 149 with serine.
Molecular consequence: missense variant.
Genome position (GRCh38, 1-based): chr10:72,007,476, G>A. VCF-style: chr10-72007476-G-A. GRCh37 (hg19) VCF-style: chr10-73767234-G-A.
Other names: short protein forms G149S.
Identifiers: ClinVar variation 2175291 (VCV002175291.4), dbSNP rs930289052, ClinGen allele CA209479090.